The following is an entry in ClinVar:

ClinVar aggregate classification (germline): Likely benign (1 of 4 stars; one submission).

Conditions:
Neurodevelopmental disorder with gait disturbance, dysmorphic facies, and behavioral abnormalities, X-linked (HIJRS). Also called: HIJAZI-REIS SYNDROME. Identifiers: MedGen C5774179, MONDO:0859085, OMIM 301094.

Submission:

Centre for Medical Genetics,  Mumbai
Classification: Likely benign for Neurodevelopmental disorder with gait disturbance, dysmorphic facies, and behavioral abnormalities, X-linked. Last evaluated: 2026-03-30. Review status: criteria provided, single submitter. Criteria: ACMG Guidelines, 2015. Collection method: provider interpretation. Allele origin: germline. Inheritance: X-linked dominant inheritance. Affected: no. Observed: 1 variant allele, 1 homozygote.
Comment: The variant satisfies PM2 criteria; Extremely low frequency in gnomAD population databases. The variant satisfies BP4 criteria; For a missense or a splice region variant, computational prediction tools unanimously support a benign effect on the gene. However, the variant satisfies BS2 criteria.

Literature cited by the submitters: PubMed 36368327.

NM_004780.3(TCEAL1):c.137A>G (p.Glu46Gly)

Gene: TCEAL1 (transcription elongation factor A like 1; plus strand). Cytogenetic location: Xq22.2.
Variant type: single nucleotide variant.
Coding change: c.137A>G on transcript NM_004780.3 (MANE Select); coding-DNA position 137, A replaced by G.
Protein change: p.Glu46Gly; replaces glutamic acid 46 with glycine.
Molecular consequence: missense variant.
Genome position (GRCh38, 1-based): chrX:103,630,053, A>G. VCF-style: chrX-103630053-A-G. GRCh37 (hg19) VCF-style: chrX-102884981-A-G.
Other names: c.137A>G, p.Glu46Gly (NM_001006639.2, NM_001006640.2); short protein forms E46G.
Identifiers: ClinVar variation 4850107 (VCV004850107.1).